The following is an entry in ClinVar:

ClinVar aggregate classification (germline): Uncertain significance (1 of 4 stars; one submission).

gnomAD v4.1: 3 of 1,614,054 alleles (0.00019%); highest among the groups gnomAD compares: Non-Finnish European, 0.00025%; no homozygotes.

Submission:

Labcorp Genetics (formerly Invitae), Labcorp
Classification: Uncertain significance. Last evaluated: 2024-09-14. Review status: criteria provided, single submitter. Criteria: Invitae Variant Classification Sherloc (09022015). Collection method: clinical testing. Allele origin: germline.
Comment: This sequence change replaces serine, which is neutral and polar, with glycine, which is neutral and non-polar, at codon 1507 of the KAT6A protein (p.Ser1507Gly). This variant is not present in population databases (gnomAD no frequency). This variant has not been reported in the literature in individuals affected with KAT6A-related conditions. Invitae Evidence Modeling of protein sequence and biophysical properties (such as structural, functional, and spatial information, amino acid conservation, physicochemical variation, residue mobility, and thermodynamic stability) indicates that this missense variant is not expected to disrupt KAT6A protein function with a negative predictive value of 80%. In summary, the available evidence is currently insufficient to determine the role of this variant in disease. Therefore, it has been classified as a Variant of Uncertain Significance.

NM_006766.5(KAT6A):c.4519A>G (p.Ser1507Gly)

Gene: KAT6A (lysine acetyltransferase 6A; minus strand). Cytogenetic location: 8p11.21.
Variant type: single nucleotide variant.
Coding change: c.4519A>G on transcript NM_006766.5 (MANE Select); coding-DNA position 4519, A replaced by G.
Protein change: p.Ser1507Gly; replaces serine 1507 with glycine.
Molecular consequence: missense variant.
Genome position (GRCh38, 1-based): chr8:41,933,701, T>C on the plus strand (A>G on the coding strand, the complement: KAT6A is on the minus strand). VCF-style: chr8-41933701-T-C. GRCh37 (hg19) VCF-style: chr8-41791219-T-C.
Other names: short protein forms S1507G.
Identifiers: ClinVar variation 3712653 (VCV003712653.2).